The following is an entry in ClinVar:

ClinVar aggregate classification (germline): Uncertain significance (1 of 4 stars; one submission).

Conditions:
Inborn genetic diseases. Identifiers: MedGen C0950123, MeSH D030342.

Submission:

Ambry Genetics
Classification: Uncertain significance for Inborn genetic diseases. Last evaluated: 2021-05-18. Review status: criteria provided, single submitter. Criteria: Ambry Variant Classification Scheme 2023. Collection method: clinical testing. Allele origin: germline.
Comment: Not expected to trigger nonsense-mediated mRNA decay Based on insufficient or conflicting evidence, the clinical significance of this alteration remains unclear.

NM_018249.6(CDK5RAP2):c.5626del (p.Arg1877fs)

Gene: CDK5RAP2 (CDK5 regulatory subunit associated protein 2; minus strand). Cytogenetic location: 9q33.2.
Variant type: Deletion.
Coding change: c.5626del on transcript NM_018249.6 (MANE Select); coding-DNA position 5626, one base deleted (C; older notation c.5626delC).
Protein change: p.Arg1877fs; shifts the reading frame from arginine 1877.
Molecular consequence: frameshift variant. On other transcripts: non-coding transcript variant (5).
Genome position (GRCh38, 1-based): chr9:120,389,292, G deleted on the plus strand (C on the coding strand, the reverse complement: CDK5RAP2 is on the minus strand). VCF-style (leftmost placement, unchanged base first): chr9-120389291-AG-A. GRCh37 (hg19) VCF-style: chr9-123151569-AG-A.
Other names: c.5389del, p.Arg1798fs (NM_001011649.3); c.4936del, p.Arg1647fs (NM_001272039.2); c.5527delC, p.Arg1844Glyfs (NM_001410992.1); c.5530delC, p.Arg1845Glyfs (NM_001410993.1); c.5623delC, p.Arg1876Glyfs (NM_001410994.1); short protein forms R1877fs, R1798fs, R1647fs.
Identifiers: ClinVar variation 2230574 (VCV002230574.2), dbSNP rs2538789368, ClinGen allele CA2580079481.